The following is an entry in ClinVar:

NM_001278064.2(GRM1):c.32C>G (p.Ala11Gly)

Gene: GRM1 (glutamate metabotropic receptor 1; plus strand). Cytogenetic location: 6q24.3.
Variant type: single nucleotide variant.
Coding change: c.32C>G on transcript NM_001278064.2 (MANE Select); coding-DNA position 32, C replaced by G.
Protein change: p.Ala11Gly; replaces alanine 11 with glycine.
Molecular consequence: missense variant.
Genome position (GRCh38, 1-based): chr6:146,029,549, C>G. VCF-style: chr6-146029549-C-G. GRCh37 (hg19) VCF-style: chr6-146350685-C-G.
Other names: p.Ala11Gly; c.32C>G, p.Ala11Gly (NM_001278065.2, NM_001278066.1, NM_001278067.1); short protein forms A11G.
Identifiers: ClinVar variation 1807534 (VCV001807534.10), dbSNP rs377264022, ClinGen allele CA4036982.

ClinVar aggregate classification (germline): Uncertain significance. Review status: criteria provided, multiple submitters, no conflicts (2 of 4 stars). 4 submissions from 4 submitters: Uncertain significance (4). Last evaluated 2025-06-24.

Allele frequency attached by ClinVar (database versions not stated): ExAC 0.00002; ESP Exome Variant Server 0.00008.
gnomAD v4.1: 34 of 1,614,032 alleles (0.0021%); highest among the groups gnomAD compares: Non-Finnish European, 0.0029%; no homozygotes.

Submissions (4):

Mayo Clinic Laboratories, Mayo Clinic
Classification: Uncertain significance. Last evaluated: 2025-06-24. Review status: criteria provided, single submitter. Criteria: ACMG Guidelines, 2015. Collection method: clinical testing. Allele origin: germline. Observed: 1 variant allele.

Labcorp Genetics (formerly Invitae), Labcorp
Classification: Uncertain significance. Last evaluated: 2022-07-25. Review status: criteria provided, single submitter. Criteria: Invitae Variant Classification Sherloc (09022015). Collection method: clinical testing. Allele origin: germline.
Comment: In summary, the available evidence is currently insufficient to determine the role of this variant in disease. Therefore, it has been classified as a Variant of Uncertain Significance. Algorithms developed to predict the effect of missense changes on protein structure and function are either unavailable or do not agree on the potential impact of this missense change (SIFT: "Deleterious"; PolyPhen-2: "Benign"; Align-GVGD: "Class C0"). This variant has not been reported in the literature in individuals affected with GRM1-related conditions. This variant is present in population databases (rs377264022, gnomAD 0.004%). This sequence change replaces alanine, which is neutral and non-polar, with glycine, which is neutral and non-polar, at codon 11 of the GRM1 protein (p.Ala11Gly).

Athena Diagnostics
Classification: Uncertain significance. Last evaluated: 2022-03-30. Review status: criteria provided, single submitter. Criteria: Athena Diagnostics Criteria. Collection method: clinical testing. Allele origin: unknown.

Revvity Omics, Revvity
Classification: Uncertain significance. Last evaluated: 2021-01-26. Review status: criteria provided, single submitter. Criteria: ACMG Guidelines, 2015. Collection method: clinical testing. Allele origin: germline.